The following is an entry in ClinVar:

NM_015629.4(PRPF31):c.371_375del (p.Glu124fs)

Genes: PRPF31 (pre-mRNA processing factor 31; plus strand), PRPF31-AS1 (PRPF31 antisense RNA 1; minus strand). Cytogenetic location: 19q13.42.
Variant type: Deletion.
Coding change: c.371_375del on transcript NM_015629.4 (MANE Select); coding-DNA positions 371 to 375, 5 bases deleted (AACTG; older notation c.371_375delAACTG).
Protein change: p.Glu124fs; shifts the reading frame from glutamic acid 124.
Molecular consequence: frameshift variant.
Genome position (GRCh38, 1-based): chr19:54,122,545-54,122,549, AACTG deleted; deleting any 5 consecutive bases within chr19:54,122,542-54,122,549 gives the same sequence; the c. name uses the placement nearest the transcript's 3' end. VCF-style (leftmost placement, unchanged base first): chr19-54122541-CCTGAA-C. GRCh37 (hg19) VCF-style: chr19-54625920-CCTGAA-C.
Other names: short protein forms E124fs.
Identifiers: ClinVar variation 813209 (VCV000813209.7), dbSNP rs2073818085, ClinGen allele CA1139666590.
Genomic context (GRCh38, chr19:54,122,541, plus strand): 5'-GTCCCGTTTACCCTAGACATCATCCATAAGTTCATCCGGGATAAGTACTCAAAGAGATTC[CCTGAA>C]CTGGAGTCCTTGGTCCCCAATGCACTGGATTACATCCGCACGGTCAAGGTGAGCGCAGAG-3'

ClinVar aggregate classification (germline): Pathogenic. Review status: criteria provided, multiple submitters, no conflicts (2 of 4 stars). 2 submissions from 2 submitters: Pathogenic (2). Last evaluated 2024-12-16.

Conditions:
Retinitis pigmentosa (RP). Identifiers: Orphanet 791, MedGen C0035334, MeSH D012174, MONDO:0019200, OMIM 268000. Inheritance: Autosomal dominant, autosomal recessive and X linked inheritance.
Retinitis pigmentosa 11 (RP11). Identifiers: Orphanet 791, MedGen C1838601, MONDO:0010828, OMIM 600138.

Submissions (2):

Labcorp Genetics (formerly Invitae), Labcorp
Classification: Pathogenic. Last evaluated: 2024-12-16. Review status: criteria provided, single submitter. Criteria: Invitae Variant Classification Sherloc (09022015). Collection method: clinical testing. Allele origin: germline.
Comment: This sequence change creates a premature translational stop signal (p.Glu124Glyfs*28) in the PRPF31 gene. It is expected to result in an absent or disrupted protein product. Loss-of-function variants in PRPF31 are known to be pathogenic (PMID: 18317597, 23950152). This variant is not present in population databases (gnomAD no frequency). This variant has not been reported in the literature in individuals affected with PRPF31-related conditions. ClinVar contains an entry for this variant (Variation ID: 813209). For these reasons, this variant has been classified as Pathogenic.

Molecular Genetics Laboratory, Institute for Ophthalmic Research
Classification: Pathogenic for Retinitis pigmentosa. Last evaluated: 2020-01-09. Review status: criteria provided, single submitter. Criteria: ACMG Guidelines, 2015. Collection method: research. Allele origin: germline. Affected: yes.

Literature cited by the submitters: PubMed 18317597 (cited by Labcorp Genetics (formerly Invitae), Labcorp); PubMed 23950152 (cited by Labcorp Genetics (formerly Invitae), Labcorp).